The following is an entry in ClinVar:

ClinVar aggregate classification (germline): Likely pathogenic (1 of 4 stars; one submission).

Conditions:
Alport syndrome. Also called: Hemorrhagic familial nephritis; Hemorrhagic hereditary nephritis; Congenital hereditary hematuria. Identifiers: Orphanet 63, MedGen C1567741, MONDO:0018965.

Submission:

Natera, Inc.
Classification: Likely pathogenic for Alport syndrome. Last evaluated: 2024-06-27. Review status: criteria provided, single submitter. Criteria: Natera Variant Classification Schema (03/2026). Collection method: clinical testing. Allele origin: germline.
Comment: The c.2589_2590delinsAGGA variant in COL4A4 is a frameshift variant predicted to shift the reading frame beginning at codon 865 and leads to a stop codon 5 codons downstream. This variant is expected to result in nonsense mediated decay, truncation, or a dysfunctional protein product. This variant is rare in the general population with a frequency below the threshold expected for the associated phenotype(s). Given the available evidence, this variant is classified as Likely Pathogenic.

NM_000092.5(COL4A4):c.2589_2590delinsAGGA (p.Pro865fs)

Gene: COL4A4 (collagen type IV alpha 4 chain; minus strand). Cytogenetic location: 2q36.3.
Variant type: Indel.
Coding change: c.2589_2590delinsAGGA on transcript NM_000092.5 (MANE Select); coding-DNA positions 2589 to 2590, CG replaced by AGGA.
Protein change: p.Pro865fs; shifts the reading frame from proline 865.
Molecular consequence: frameshift variant.
Genome position (GRCh38, 1-based): chr2:227,056,071-227,056,072, CG replaced by TCCT on the plus strand (CG replaced by AGGA on the coding strand, the reverse complement: COL4A4 is on the minus strand). VCF-style: chr2-227056071-CG-TCCT. GRCh37 (hg19) VCF-style: chr2-227920787-CG-TCCT.
Other names: c.2589_2590delCGinsAGGA, p.Pro865Glyfs (NM_000092.4); short protein forms P865fs.
Identifiers: ClinVar variation 4817311 (VCV004817311.1).